The following is an entry in ClinVar:

ClinVar aggregate classification (germline): Pathogenic/Likely pathogenic. Review status: criteria provided, multiple submitters, no conflicts (2 of 4 stars). 5 submissions from 5 submitters: Pathogenic (1); Likely pathogenic (3). 1 of the submissions does not count toward it. Last evaluated 2024-11-12.

Conditions:
Familial cancer of breast. Also called: Hereditary breast cancer; BREAST CANCER, FAMILIAL; hereditary breast carcinoma. Identifiers: Orphanet 227535, MedGen C0346153, MONDO:0016419, OMIM 114480. Disease mechanism: loss of function.
Breast carcinoma. Also called: Carcinoma of breast. Identifiers: MedGen C0678222, MONDO:0004989, HP:0003002.
Fanconi anemia complementation group J. Also called: BRIP1-Related Fanconi Anemia. Identifiers: Orphanet 84, MedGen C1836860, MONDO:0012187, OMIM 609054.
Hereditary cancer-predisposing syndrome. Also called: Hereditary neoplastic syndrome; Neoplastic Syndromes, Hereditary; Hereditary Cancer Syndrome; Tumor predisposition. Identifiers: Orphanet 140162, MedGen C0027672, MeSH D009386, MONDO:0015356.

Submissions (5):

Myriad Genetics, Inc.
Classification: Likely pathogenic for Familial cancer of breast. Last evaluated: 2024-11-12. Review status: criteria provided, single submitter. Criteria: Myriad Autosomal Dominant, Autosomal Recessive and X-Linked Classification Criteria (2023). Collection method: clinical testing. Allele origin: unknown.
Comment: This variant is considered likely pathogenic. This variant occurs within a consensus splice junction and is predicted to result in abnormal mRNA splicing of either an out-of-frame exon or an in-frame exon necessary for protein stability and/or normal function.

Labcorp Genetics (formerly Invitae), Labcorp
Classification: Likely pathogenic for Familial cancer of breast; Fanconi anemia complementation group J. Last evaluated: 2023-10-03. Review status: criteria provided, single submitter. Criteria: Invitae Variant Classification Sherloc (09022015). Collection method: clinical testing. Allele origin: germline.
Comment: This sequence change affects a donor splice site in intron 5 of the BRIP1 gene. It is expected to disrupt RNA splicing. Variants that disrupt the donor or acceptor splice site typically lead to a loss of protein function (PMID: 16199547), and loss-of-function variants in BRIP1 are known to be pathogenic (PMID: 16116423, 17033622, 21964575). This variant is not present in population databases (gnomAD no frequency). Disruption of this splice site has been observed in individual(s) with breast cancer (PMID: 35220195). ClinVar contains an entry for this variant (Variation ID: 1192501). Algorithms developed to predict the effect of sequence changes on RNA splicing suggest that this variant may disrupt the consensus splice site. In summary, the currently available evidence indicates that the variant is pathogenic, but additional data are needed to prove that conclusively. Therefore, this variant has been classified as Likely Pathogenic.

Baylor Genetics
Classification: Pathogenic for Familial cancer of breast. Last evaluated: 2021-10-22. Review status: criteria provided, single submitter. Criteria: ACMG Guidelines, 2015. Collection method: clinical testing. Allele origin: unknown.

Ambry Genetics
Classification: Likely pathogenic for Hereditary cancer-predisposing syndrome. Last evaluated: 2020-11-11. Review status: criteria provided, single submitter. Criteria: Ambry Variant Classification Scheme 2023. Collection method: clinical testing. Allele origin: germline.
Comment: The c.507+1G>T intronic variant results from a G to T substitution one nucleotide after coding exon 4 of the BRIP1 gene. This nucleotide position is highly conserved in available vertebrate species. In silico splice site analysis predicts that this alteration will weaken the native splice donor site. RNA studies have demonstrated that this alteration results in abnormal splicing in the set of samples tested (Ambry internal data). Alterations that disrupt the canonical splice site are expected to cause aberrant splicing, resulting in an abnormal protein or a transcript that is subject to nonsense-mediated mRNA decay. As such, this alteration is classified as likely pathogenic.

Medical Genetics Laboratory, Umraniye Training and Research Hospital, University of Health Sciences
Classification: Pathogenic for Breast carcinoma. Last evaluated: 2021-08-08. Review status: no assertion criteria provided. Collection method: clinical testing. Allele origin: germline. Inheritance: Autosomal dominant inheritance. Affected: yes. Observed: 1 variant allele, 1 heterozygote. Not counted in ClinVar's aggregate classification.

Literature cited by the submitters: PubMed 16199547 (cited by Labcorp Genetics (formerly Invitae), Labcorp); PubMed 16116423 (cited by Labcorp Genetics (formerly Invitae), Labcorp); PubMed 17033622 (cited by Labcorp Genetics (formerly Invitae), Labcorp); PubMed 21964575 (cited by Labcorp Genetics (formerly Invitae), Labcorp); PubMed 35220195 (cited by Labcorp Genetics (formerly Invitae), Labcorp).

NM_032043.3(BRIP1):c.507+1G>T

Gene: BRIP1 (BRCA1 interacting DNA helicase 1; minus strand). Cytogenetic location: 17q23.2.
Variant type: single nucleotide variant.
Coding change: c.507+1G>T on transcript NM_032043.3 (MANE Select); the canonical splice donor site of the intron after coding-DNA position 507, G replaced by T.
Molecular consequence: splice donor variant.
Genome position (GRCh38, 1-based): chr17:61,849,128, C>A on the plus strand (G>T on the coding strand, the complement: BRIP1 is on the minus strand). VCF-style: chr17-61849128-C-A. GRCh37 (hg19) VCF-style: chr17-59926489-C-A.
Identifiers: ClinVar variation 1192501 (VCV001192501.12), dbSNP rs2145761239, ClinGen allele CA400484342.